The following is an entry in ClinVar:

NM_198576.4(AGRN):c.3251-7T>G

Gene: AGRN (agrin; plus strand). Cytogenetic location: 1p36.33.
Variant type: single nucleotide variant.
Coding change: c.3251-7T>G on transcript NM_198576.4 (MANE Select); 7 bases into the intron before coding-DNA position 3251, T replaced by G.
Molecular consequence: intron variant.
Genome position (GRCh38, 1-based): chr1:1,046,813, T>G. VCF-style: chr1-1046813-T-G. GRCh37 (hg19) VCF-style: chr1-982193-T-G.
Other names: c.3251-7T>G (NM_001305275.2); c.2936-7T>G (NM_001364727.2).
Identifiers: ClinVar variation 1497901 (VCV001497901.8), dbSNP rs1570225831, ClinGen allele CA2573130486.

ClinVar aggregate classification (germline): Uncertain significance (1 of 4 stars; one submission).

Conditions:
Congenital myasthenic syndrome 8. Also called: MYASTHENIC SYNDROME, CONGENITAL, DUE TO AGRIN DEFICIENCY; Myasthenic syndrome, congenital, 8, with pre- and postsynaptic defects. Identifiers: Orphanet 590, MedGen C3808739, MONDO:0014052, OMIM 615120.

Submission:

Labcorp Genetics (formerly Invitae), Labcorp
Classification: Uncertain significance for Congenital myasthenic syndrome 8. Last evaluated: 2021-04-15. Review status: criteria provided, single submitter. Criteria: Invitae Variant Classification Sherloc (09022015). Collection method: clinical testing. Allele origin: germline.
Comment: In summary, the available evidence is currently insufficient to determine the role of this variant in disease. Therefore, it has been classified as a Variant of Uncertain Significance. Algorithms developed to predict the effect of sequence changes on RNA splicing suggest that this variant may disrupt the consensus splice site, but this prediction has not been confirmed by published transcriptional studies. This variant has not been reported in the literature in individuals with AGRN-related conditions. This variant is not present in population databases (ExAC no frequency). This sequence change falls in intron 18 of the AGRN gene. It does not directly change the encoded amino acid sequence of the AGRN protein.